The following is an entry in ClinVar:

NM_000051.4(ATM):c.3446A>T (p.Asn1149Ile)

Gene: ATM (ATM serine/threonine kinase; plus strand). Cytogenetic location: 11q22.3.
Variant type: single nucleotide variant.
Coding change: c.3446A>T on transcript NM_000051.4 (MANE Select); coding-DNA position 3446, A replaced by T.
Protein change: p.Asn1149Ile; replaces asparagine 1149 with isoleucine.
Molecular consequence: missense variant.
Genome position (GRCh38, 1-based): chr11:108,281,038, A>T. VCF-style: chr11-108281038-A-T. GRCh37 (hg19) VCF-style: chr11-108151765-A-T.
Other names: c.3446A>T, p.Asn1149Ile (NM_001351834.2); short protein forms N1149I.
Identifiers: ClinVar variation 3326012 (VCV003326012.1).

ClinVar aggregate classification (germline): Uncertain significance (1 of 4 stars; one submission).

Conditions:
Hereditary cancer-predisposing syndrome. Also called: Neoplastic Syndromes, Hereditary; Tumor predisposition; Hereditary neoplastic syndrome; Hereditary Cancer Syndrome. Identifiers: Orphanet 140162, MedGen C0027672, MeSH D009386, MONDO:0015356.

gnomAD v4.1: 2 of 1,613,664 alleles (0.00012%); highest among the groups gnomAD compares: African/African-American, 0.0027%; no homozygotes.

Submission:

Ambry Genetics
Classification: Uncertain significance for Hereditary cancer-predisposing syndrome. Last evaluated: 2024-05-09. Review status: criteria provided, single submitter. Criteria: Ambry Variant Classification Scheme 2023. Collection method: clinical testing. Allele origin: germline.
Comment: The p.N1149I variant (also known as c.3446A>T), located in coding exon 23 of the ATM gene, results from an A to T substitution at nucleotide position 3446. The asparagine at codon 1149 is replaced by isoleucine, an amino acid with dissimilar properties. This amino acid position is conserved. In addition, the in silico prediction for this alteration is inconclusive. Based on the available evidence, the clinical significance of this variant remains unclear.